The following is an entry in ClinVar:

NM_000516.7(GNAS):c.419_420del (p.Asp139_Phe140insTer)

Gene: GNAS (GNAS complex locus; plus strand). Cytogenetic location: 20q13.32.
Variant type: Deletion.
Coding change: c.419_420del on transcript NM_000516.7 (MANE Select); coding-DNA positions 419 to 420, 2 bases deleted (TT; older notation c.419_420delTT).
Protein change: p.Asp139_Phe140insTer.
Molecular consequence: nonsense. On other transcripts: 3 prime UTR variant (2).
Genome position (GRCh38, 1-based): chr20:58,903,778-58,903,779, TT deleted; deleting any 2 consecutive bases within chr20:58,903,777-58,903,779 gives the same sequence; the c. name uses the placement nearest the transcript's 3' end. VCF-style (leftmost placement, unchanged base first): chr20-58903776-CTT-C. GRCh37 (hg19) VCF-style: chr20-57478831-CTT-C.
Other names: c.*280_*281del (NM_001077490.3); c.242_243del, p.Asp80_Phe81insTer (NM_001309840.2, NM_001309861.2); c.323_324del, p.Asp107_Phe108insTer (NM_001410912.1); c.2303_2304del, p.Asp767_Phe768insTer (NM_001410913.1); c.*325_*326del (NM_016592.5); c.2348_2349del, p.Asp782_Phe783insTer (NM_080425.4); c.377_378del, p.Asp125_Phe126insTer (NM_080426.4); c.422_423del, p.Asp140_Phe141insTer (NM_001077488.5); and 1 more.
Identifiers: ClinVar variation 3344038 (VCV003344038.1).

ClinVar aggregate classification (germline): Pathogenic (0 of 4 stars; one submission).

Conditions:
GNAS-related disorder. Identifiers: MedGen CN380105.

Submission:

PreventionGenetics, part of Exact Sciences
Classification: Pathogenic for GNAS-related condition. Last evaluated: 2024-09-04. Review status: no assertion criteria provided. Collection method: clinical testing. Allele origin: germline.
Comment: The GNAS c.419_420delTT variant is predicted to result in premature protein termination (p.Phe140*). This variant was reported de novo in individuals with pseudohypoparathyroidism 1a (referred to as c.421_422del, p.Phe141* on NM_001077488.1, Elli et al 2013. PubMed ID: 23281139; Labbadia R et al 2019. PubMed ID: 30418563). This variant has not been reported in a large population database, indicating this variant is rare. Loss-of-function variants in GNAS, like this frameshift change, are expected to be pathogenic. This variant is interpreted as pathogenic.